The following is an entry in ClinVar:

NM_001042492.3(NF1):c.6666G>A (p.Thr2222=)

Gene: NF1 (neurofibromin 1; plus strand). Cytogenetic location: 17q11.2.
Variant type: single nucleotide variant.
Coding change: c.6666G>A on transcript NM_001042492.3 (MANE Select); coding-DNA position 6666, G replaced by A.
Protein change: p.Thr2222=; no amino-acid change (threonine 2222 retained).
Molecular consequence: synonymous variant.
Genome position (GRCh38, 1-based): chr17:31,337,842, G>A. VCF-style: chr17-31337842-G-A. GRCh37 (hg19) VCF-style: chr17-29664860-G-A.
Other names: c.6603G>A, p.Thr2201= (NM_000267.4).
Identifiers: ClinVar variation 231984 (VCV000231984.17), dbSNP rs780247942, ClinGen allele CA8487394.

ClinVar aggregate classification (germline): Benign/Likely benign. Review status: criteria provided, multiple submitters, no conflicts (2 of 4 stars). 6 submissions from 6 submitters: Benign (1); Likely benign (4). 1 of the submissions does not count toward it. Last evaluated 2026-05-21.

Conditions:
NF1-related disorder. Also called: NF1-related condition. Identifiers: MedGen CN379171.
Hereditary cancer-predisposing syndrome. Also called: Hereditary neoplastic syndrome; Neoplastic Syndromes, Hereditary; Hereditary Cancer Syndrome; Tumor predisposition. Identifiers: Orphanet 140162, MedGen C0027672, MeSH D009386, MONDO:0015356.
Café-au-lait macules with pulmonary stenosis (WTSN). Also called: PULMONIC STENOSIS WITH CAFE-AU-LAIT SPOTS. Identifiers: MedGen C0553586, MONDO:0008672, OMIM 193520.
Neurofibromatosis, type 1 (NF1). Also called: NEUROFIBROMATOSIS, TYPE I, SOMATIC; Neurofibromatosis, type I; VON RECKLINGHAUSEN DISEASE; Peripheral type neurofibromatosis. Identifiers: Orphanet 636, MedGen C0027831, MONDO:0018975, OMIM 162200. Disease mechanism: loss of function.
Neurofibromatosis-Noonan syndrome (NFNS). Also called: NEUROFIBROMATOSIS WITH NOONAN PHENOTYPE. Identifiers: Orphanet 638, MedGen C2931482, MONDO:0011035, OMIM 601321. Disease mechanism: loss of function.
Neurofibromatosis, familial spinal (FSNF). Identifiers: Orphanet 636, MedGen C1834235, MONDO:0008078, OMIM 162210. Disease mechanism: loss of function.
Juvenile myelomonocytic leukemia (JMML). Also called: LEUKEMIA, JUVENILE MYELOMONOCYTIC, SOMATIC. Identifiers: Orphanet 86834, MedGen C0349639, MONDO:0011908, OMIM 607785, HP:0012209.

Allele frequency attached by ClinVar (database versions not stated): gnomAD 0.00001; ExAC 0.00002; TOPMed 0.00002; gnomAD exomes 0.00001.
gnomAD v4.1: 15 of 1,613,758 alleles (0.00093%); highest among the groups gnomAD compares: Admixed American, 0.0067%; no homozygotes.

Submissions (6):

Myriad Genetics, Inc.
Classification: Benign for Neurofibromatosis, type 1. Last evaluated: 2026-05-21. Review status: criteria provided, single submitter. Criteria: Myriad Autosomal Dominant, Autosomal Recessive and X-Linked Classification Criteria (2023). Collection method: clinical testing. Allele origin: unknown.
Comment: This variant is considered benign. This variant is a silent/synonymous amino acid change and it is not expected to impact splicing.

Labcorp Genetics (formerly Invitae), Labcorp
Classification: Likely benign for Neurofibromatosis, type 1. Last evaluated: 2025-10-01. Review status: criteria provided, single submitter. Criteria: Invitae Variant Classification Sherloc (09022015). Collection method: clinical testing. Allele origin: germline.

Genome-Nilou Lab
Classification: Likely benign for Neurofibromatosis, type 1. Last evaluated: 2022-03-15. Review status: criteria provided, single submitter. Criteria: ACMG Guidelines, 2015. Collection method: clinical testing. Allele origin: germline. Affected: no.

Fulgent Genetics
Classification: Likely benign for Neurofibromatosis, type 1; Neurofibromatosis, familial spinal; Café-au-lait macules with pulmonary stenosis; Neurofibromatosis-Noonan syndrome; Juvenile myelomonocytic leukemia. Last evaluated: 2022-02-23. Review status: criteria provided, single submitter. Criteria: ACMG Guidelines, 2015. Collection method: clinical testing. Allele origin: unknown.

Ambry Genetics
Classification: Likely benign for Hereditary cancer-predisposing syndrome. Last evaluated: 2015-05-28. Review status: criteria provided, single submitter. Criteria: Ambry Autosomal Dominant and X-Linked criteria (10/2015). Collection method: clinical testing. Allele origin: germline. Observed: 1 variant allele.

PreventionGenetics, part of Exact Sciences
Classification: Likely benign for NF1-related condition. Last evaluated: 2023-12-04. Review status: no assertion criteria provided. Collection method: clinical testing. Allele origin: germline. Not counted in ClinVar's aggregate classification.
Comment: This variant is classified as likely benign based on ACMG/AMP sequence variant interpretation guidelines (Richards et al. 2015 PMID: 25741868, with internal and published modifications).